The following is an entry in ClinVar:

NM_058216.3(RAD51C):c.764T>G (p.Leu255Arg)

Gene: RAD51C (RAD51 paralog C; plus strand). Cytogenetic location: 17q22.
Variant type: single nucleotide variant.
Coding change: c.764T>G on transcript NM_058216.3 (MANE Select); coding-DNA position 764, T replaced by G.
Protein change: p.Leu255Arg; replaces leucine 255 with arginine.
Molecular consequence: missense variant. On other transcripts: non-coding transcript variant (1).
Genome position (GRCh38, 1-based): chr17:58,709,917, T>G. VCF-style: chr17-58709917-T-G. GRCh37 (hg19) VCF-style: chr17-56787278-T-G.
Other names: c.*192T>G (NM_058217.1); short protein forms L255R.
Identifiers: ClinVar variation 1759980 (VCV001759980.2), dbSNP rs1567799667, ClinGen allele CA400353720.

ClinVar aggregate classification (germline): Uncertain significance (1 of 4 stars; one submission).

Conditions:
Hereditary cancer-predisposing syndrome. Also called: Neoplastic Syndromes, Hereditary; Tumor predisposition; Hereditary Cancer Syndrome; Hereditary neoplastic syndrome. Identifiers: Orphanet 140162, MedGen C0027672, MeSH D009386, MONDO:0015356.

Submission:

Ambry Genetics
Classification: Uncertain significance for Hereditary cancer-predisposing syndrome. Last evaluated: 2020-03-18. Review status: criteria provided, single submitter. Criteria: Ambry Variant Classification Scheme 2023. Collection method: clinical testing. Allele origin: germline.
Comment: The p.L255R variant (also known as c.764T>G), located in coding exon 5 of the RAD51C gene, results from a T to G substitution at nucleotide position 764. The leucine at codon 255 is replaced by arginine, an amino acid with dissimilar properties. This amino acid position is highly conserved in available vertebrate species. In addition, this alteration is predicted to be deleterious by in silico analysis. Since supporting evidence is limited at this time, the clinical significance of this alteration remains unclear.